The following is an entry in ClinVar:

ClinVar aggregate classification (germline): Uncertain significance (1 of 4 stars; one submission).

Conditions:
FG syndrome 4 (FGS4). Identifiers: MedGen C1845546, MONDO:0010318, OMIM 300422.

Submission:

Ozbek Human Genetics Laboratory, Izmir Biomedicine and Genome Center
Classification: Uncertain significance for FG syndrome 4. Review status: criteria provided, single submitter. Criteria: ACMG Guidelines, 2015. Collection method: research. Allele origin: germline. Inheritance: X-linked inheritance. Affected: yes. Observed: 1 heterozygote.
Comment: A heterozygous missense variant, (NM_001367721.1):c.2285A>G p.(Lys762Arg), was detected in exon 24 of the CASK gene. This variant has not been previously reported in population databases (PM2). Missense variants in the CASK gene are considered to have a low rate of being benign and are thought to be disease-causing (PP2). In light of the current evidence, this variant is classified as a Variant of Uncertain Significance (VUS) according to the ACMG criteria. Data obtained via the RAREBOOST project (Horizon 2020 ERA Chairs at Izmir Biomedicine and Genome Center - IBG).

NM_001367721.1(CASK):c.2285A>G (p.Lys762Arg)

Gene: CASK (calcium/calmodulin dependent serine protein kinase; minus strand). Cytogenetic location: Xp11.4.
Variant type: single nucleotide variant.
Coding change: c.2285A>G on transcript NM_001367721.1 (MANE Select); coding-DNA position 2285, A replaced by G.
Protein change: p.Lys762Arg; replaces lysine 762 with arginine.
Molecular consequence: missense variant.
Genome position (GRCh38, 1-based): chrX:41,534,738, T>C on the plus strand (A>G on the coding strand, the complement: CASK is on the minus strand). VCF-style: chrX-41534738-T-C. GRCh37 (hg19) VCF-style: chrX-41393991-T-C.
Other names: c.2201A>G, p.Lys734Arg (NM_001126054.3); c.2198A>G, p.Lys733Arg (NM_001126055.3); c.2267A>G, p.Lys756Arg (NM_001410745.1); c.2270A>G, p.Lys757Arg (NM_003688.4); short protein forms K733R, K734R, K756R, K757R, K762R.
Identifiers: ClinVar variation 4690244 (VCV004690244.1).
Genomic context (GRCh38, chrX:41,534,738, plus strand): 5'-AATGAAAAGAGATTGAGACATTGCTTACGTGGAATAGGGTACGCAAACCGGTCTGGGTGC[T>C]TTGTGATGAGAGTGTTTTTTATGTGTCTTCTCCCAACACCATGTGCGCCTATGTCATTTA-3'
Protein context (NP_001354650.1, residues 752-772): RRHIKNTLIT[Lys762Arg]HPDRFAYPIP